The following is an entry in ClinVar:

ClinVar aggregate classification (germline): Likely benign (1 of 4 stars; one submission).

Submission:

CeGaT Center for Human Genetics Tuebingen
Classification: Likely benign. Last evaluated: 2026-04-01. Review status: criteria provided, single submitter. Criteria: CeGaT Center For Human Genetics Tuebingen Variant Classification Criteria Version 2. Collection method: clinical testing. Allele origin: germline. Affected: yes. Observed: 1 variant allele.
Comment: ADAMTS4: PM2:Supporting, BP4, BP7

NM_005099.6(ADAMTS4):c.438G>T (p.Gly146=)

Genes: ADAMTS4 (ADAM metallopeptidase with thrombospondin type 1 motif 4; minus strand), NDUFS2 (NADH:ubiquinone oxidoreductase core subunit S2; plus strand). Cytogenetic location: 1q23.3.
Variant type: single nucleotide variant.
Coding change: c.438G>T on transcript NM_005099.6 (MANE Select); coding-DNA position 438, G replaced by T.
Protein change: p.Gly146=; no amino-acid change (glycine 146 retained).
Molecular consequence: synonymous variant. On other transcripts: intron variant (2).
Genome position (GRCh38, 1-based): chr1:161,198,190, C>A on the plus strand (G>T on the coding strand, the complement: ADAMTS4 is on the minus strand). VCF-style: chr1-161198190-C-A. GRCh37 (hg19) VCF-style: chr1-161167980-C-A.
Other names: c.438G>T, p.Gly146= (NM_001320336.3); c.-240+703C>A (NM_001377300.1, NM_001377298.1).
Identifiers: ClinVar variation 4874666 (VCV004874666.2).